The following is an entry in ClinVar:

ClinVar aggregate classification (germline): Benign. Review status: criteria provided, multiple submitters, no conflicts (2 of 4 stars). 3 submissions from 3 submitters: Benign (3). Last evaluated 2025-07-10.

Conditions:
Hereditary cancer-predisposing syndrome. Also called: Tumor predisposition; Hereditary neoplastic syndrome; Neoplastic Syndromes, Hereditary; Hereditary Cancer Syndrome. Identifiers: Orphanet 140162, MedGen C0027672, MeSH D009386, MONDO:0015356.

Allele frequency attached by ClinVar (database versions not stated): 1000 Genomes Project 0.17871; 1000 Genomes Project 30x 0.17879; TOPMed 0.25832; gnomAD 0.26316 and 0.26468; ESP Exome Variant Server 0.27325; gnomAD exomes 0.28776; ExAC 0.29164.
gnomAD v4.1: 484,433 of 1,505,728 alleles (32%); highest among the groups gnomAD compares: Non-Finnish European, 36%; 83,511 homozygotes.

Submissions (3):

GeneKor MSA
Classification: Benign for Hereditary cancer-predisposing syndrome. Last evaluated: 2025-07-10. Review status: criteria provided, single submitter. Criteria: ACMG Guidelines, 2015. Collection method: clinical testing. Allele origin: germline.

GeneDx
Classification: Benign. Last evaluated: 2018-07-14. Review status: criteria provided, single submitter. Criteria: GeneDx Variant Classification Process June 2021. Collection method: clinical testing. Allele origin: germline. Affected: yes.
Comment: This variant is associated with the following publications: (PMID: 28977865)

Breakthrough Genomics
Classification: Benign. Review status: criteria provided, single submitter. Criteria: ACMG Guidelines, 2015. Collection method: not provided. Allele origin: germline. Inheritance: Unknown mechanism. Affected: yes.

NM_013372.7(GREM1):c.*40C>A

Gene: GREM1 (gremlin 1, DAN family BMP antagonist; plus strand). Cytogenetic location: 15q13.3.
Variant type: single nucleotide variant.
Coding change: c.*40C>A on transcript NM_013372.7 (MANE Select); 40 bases downstream of the stop codon, C replaced by A.
Molecular consequence: 3 prime UTR variant.
Genome position (GRCh38, 1-based): chr15:32,731,285, C>A. VCF-style: chr15-32731285-C-A. GRCh37 (hg19) VCF-style: chr15-33023486-C-A.
Other names: c.*40C>A (NM_001191322.2, NM_001191323.2, NM_001368719.1).
Identifiers: ClinVar variation 1282623 (VCV001282623.3), dbSNP rs12915554, ClinGen allele CA7456195.